The following is an entry in ClinVar:

NM_001267550.2(TTN):c.70917T>A (p.Tyr23639Ter)

Genes: TTN (titin; minus strand), TTN-AS1 (TTN antisense RNA 1; plus strand). Cytogenetic location: 2q31.2.
Variant type: single nucleotide variant.
Coding change: c.70917T>A on transcript NM_001267550.2 (MANE Select); coding-DNA position 70917, T replaced by A.
Protein change: p.Tyr23639Ter; replaces tyrosine 23639 with a stop codon.
Molecular consequence: nonsense.
Genome position (GRCh38, 1-based): chr2:178,575,215, A>T on the plus strand (T>A on the coding strand, the complement: TTN is on the minus strand). VCF-style: chr2-178575215-A-T. GRCh37 (hg19) VCF-style: chr2-179439942-A-T.
Other names: c.65994T>A, p.Tyr21998Ter (NM_001256850.1); c.43722T>A, p.Tyr14574Ter (NM_003319.4); c.63213T>A, p.Tyr21071Ter (NM_133378.4); c.44097T>A, p.Tyr14699Ter (NM_133432.3); c.44298T>A, p.Tyr14766Ter (NM_133437.4); short protein forms Y14574*, Y21071*, Y23639*, Y14766*, Y14699*, Y21998*.
Identifiers: ClinVar variation 2032875 (VCV002032875.4), dbSNP rs2468665074, ClinGen allele CA349660201.

ClinVar aggregate classification (germline): Likely pathogenic (1 of 4 stars; one submission).

Conditions:
Dilated cardiomyopathy 1G (CMD1G). Identifiers: Orphanet 154, MedGen C1858763, MONDO:0011400, OMIM 604145.
Autosomal recessive limb-girdle muscular dystrophy type 2J (LGMDR10). Also called: Limb-girdle muscular dystrophy, type 2J; MUSCULAR DYSTROPHY, LIMB-GIRDLE, AUTOSOMAL RECESSIVE 10. Identifiers: Orphanet 140922, MedGen C1837342, MONDO:0012127, OMIM 608807.

Submission:

Labcorp Genetics (formerly Invitae), Labcorp
Classification: Likely pathogenic for Dilated cardiomyopathy 1G; Autosomal recessive limb-girdle muscular dystrophy type 2J. Last evaluated: 2022-10-07. Review status: criteria provided, single submitter. Criteria: Invitae Variant Classification Sherloc (09022015). Collection method: clinical testing. Allele origin: germline.
Comment: This sequence change creates a premature translational stop signal (p.Tyr23639*) in the TTN gene. While this is not anticipated to result in nonsense mediated decay, it is expected to create a truncated TTN protein. This variant is not present in population databases (gnomAD no frequency). This variant has not been reported in the literature in individuals affected with TTN-related conditions. This variant is located in the A band of TTN (PMID: 25589632). Truncating variants in this region are significantly overrepresented in patients affected with dilated cardiomyopathy (PMID: 25589632). Truncating variants in this region have also been reported in individuals affected with autosomal recessive centronuclear myopathy (PMID: 23975875). In summary, the currently available evidence indicates that the variant is pathogenic, but additional data are needed to prove that conclusively. Therefore, this variant has been classified as Likely Pathogenic.

Literature cited by the submitters: PubMed 25589632; PubMed 23975875.